The following is an entry in ClinVar:

NC_000015.10:g.(?_48410980)_(48411389_?)del

Gene: FBN1 (fibrillin 1; minus strand). Cytogenetic location: 15q21.1.
Variant type: Deletion.
Identifiers: ClinVar variation 832110 (VCV000832110.7).

ClinVar aggregate classification (germline): Likely pathogenic (1 of 4 stars; one submission).

Conditions:
Familial thoracic aortic aneurysm and aortic dissection (TAAD). Also called: Thoracic aortic aneurysms and dissections. Identifiers: Orphanet 91387, MedGen C4707243, MONDO:0019625.
Marfan syndrome (MFS). Also called: FBN1-Related Marfan Syndrome; Marfan's syndrome; MARFAN SYNDROME, TYPE I; Marfan syndrome type 1; Marfan syndrome, classic. Identifiers: Orphanet 284963, Orphanet 558, MedGen C0024796, MONDO:0007947, OMIM 154700.

Submission:

Labcorp Genetics (formerly Invitae), Labcorp
Classification: Likely pathogenic for Marfan syndrome; Familial thoracic aortic aneurysm and aortic dissection. Last evaluated: 2019-09-10. Review status: criteria provided, single submitter. Criteria: Invitae Variant Classification Sherloc (09022015). Collection method: clinical testing. Allele origin: germline.
Comment: This variant disrupts the p.His2816Pro amino acid residue in FBN1. Other variant(s) that disrupt this residue have been determined to be pathogenic (Invitae). This suggests that this residue is clinically significant, and that variants that disrupt this residue are likely to be disease-causing. This variant has not been reported in the literature in individuals with FBN1-related conditions. This variant is a gross deletion of the genomic region encompassing exon 66 of the FBN1 gene. The 5' boundary is likely confined to intron 65. The 3' end of this event is unknown as it extends through the termination codon beyond the assayed region for this gene and may encompass additional genes. While this deletion is not anticipated to result in nonsense mediated decay, it is expected to create a truncated protein product or disrupt mRNA translation. In summary, the currently available evidence indicates that the variant is pathogenic, but additional data are needed to prove that conclusively. Therefore, this variant has been classified as Likely Pathogenic.